The following is an entry in ClinVar:

NM_001134225.2(INPP4A):c.1899C>G (p.Thr633=)

Gene: INPP4A (inositol polyphosphate-4-phosphatase type I A; plus strand). Cytogenetic location: 2q11.2.
Variant type: single nucleotide variant.
Coding change: c.1899C>G on transcript NM_001134225.2 (MANE Select); coding-DNA position 1899, C replaced by G.
Protein change: p.Thr633=; no amino-acid change (threonine 633 retained).
Molecular consequence: synonymous variant.
Genome position (GRCh38, 1-based): chr2:98,563,508, C>G. VCF-style: chr2-98563508-C-G. GRCh37 (hg19) VCF-style: chr2-99179971-C-G.
Other names: c.1914C>G, p.Thr638= (NM_001134224.2); c.1800C>G, p.Thr600= (NM_001351424.1, NM_001351425.2, NM_001351426.2); c.1797C>G, p.Thr599= (NM_001351427.2, NM_001566.2, NM_004027.3); c.1782C>G, p.Thr594= (NM_001351428.2); c.1749C>G, p.Thr583= (NM_001351429.2).
Identifiers: ClinVar variation 4871928 (VCV004871928.2).

ClinVar aggregate classification (germline): Likely benign (1 of 4 stars; one submission).

gnomAD v4.1: 15,594 of 1,613,592 alleles (0.97%); highest among the groups gnomAD compares: Non-Finnish European, 0.98%; 127 homozygotes.

Submission:

CeGaT Center for Human Genetics Tuebingen
Classification: Likely benign. Last evaluated: 2026-07-01. Review status: criteria provided, single submitter. Criteria: CeGaT Center For Human Genetics Tuebingen Variant Classification Criteria Version 2. Collection method: clinical testing. Allele origin: germline. Affected: yes. Observed: 4 variant alleles.
Comment: INPP4A: BP4, BP7, BS2